The following is an entry in ClinVar:

ClinVar aggregate classification (germline): Benign. Review status: criteria provided, multiple submitters, no conflicts (2 of 4 stars). 3 submissions from 3 submitters: Benign (3). Last evaluated 2019-02-24.

Conditions:
Fanconi anemia complementation group G. Also called: FANCG-Related Fanconi Anemia; Fanconi anemia group G. Identifiers: Orphanet 84, MedGen C3469527, MONDO:0013565, OMIM 614082.

Allele frequency attached by ClinVar (database versions not stated): gnomAD 0.07883; TOPMed 0.07181; 1000 Genomes Project 30x 0.12180; gnomAD exomes 0.08915; 1000 Genomes Project 0.12580.

Submissions (3):

GeneDx
Classification: Benign. Last evaluated: 2019-02-24. Review status: criteria provided, single submitter. Criteria: GeneDx Variant Classification Process June 2021. Collection method: clinical testing. Allele origin: germline. Affected: yes.

Illumina Laboratory Services, Illumina
Classification: Benign for Fanconi anemia complementation group G. Last evaluated: 2018-01-12. Review status: criteria provided, single submitter. Criteria: ICSL Variant Classification Criteria 13 December 2019. Collection method: clinical testing. Allele origin: germline.
Comment: This variant was observed in the ICSL laboratory as part of a predisposition screen in an ostensibly healthy population. It had not been previously curated by ICSL or reported in the Human Gene Mutation Database (HGMD: prior to June 1st, 2018), and was therefore a candidate for classification through an automated scoring system. Utilizing variant allele frequency, disease prevalence and penetrance estimates, and inheritance mode, an automated score was calculated to assess if this variant is too frequent to cause the disease. Based on the score and internal cut-off values, a variant classified as benign is not then subjected to further curation. The score for this variant resulted in a classification of benign for this disease.

Breakthrough Genomics
Classification: Benign. Review status: criteria provided, single submitter. Criteria: ACMG Guidelines, 2015. Collection method: not provided. Allele origin: germline. Inheritance: Autosomal recessive inheritance. Affected: yes.

NM_004629.1(FANCG):c.-490G>T

Gene: FANCG (FA complementation group G; minus strand). Cytogenetic location: 9p13.3.
Variant type: single nucleotide variant.
Coding change: c.-490G>T on transcript NM_004629.1; 490 bases upstream of the start codon, G replaced by T.
Genome position (GRCh38, 1-based): chr9:35,080,014, C>A on the plus strand (G>T on the coding strand, the complement: FANCG is on the minus strand). VCF-style: chr9-35080014-C-A. GRCh37 (hg19) VCF-style: chr9-35080011-C-A.
Identifiers: ClinVar variation 366746 (VCV000366746.10), dbSNP rs10972303, ClinGen allele CA10627293.
Genomic context (GRCh38, chr9:35,080,014, plus strand): 5'-CGAGTTTCGGCCCCACAGTCCGTGGCTCGGCCCTTCCTCGCTGCCACACCCCCAGGTCCT[C>A]CTGGGTTCCCGCTTCCACCGAGGGCCGACTGCGAGGTGCATGCTGGGAGTCGTAGTACCG-3'